The following is an entry in ClinVar:

NM_017763.6(RNF43):c.1650C>A (p.Tyr550Ter)

Gene: RNF43 (ring finger protein 43; minus strand). Cytogenetic location: 17q22.
Variant type: single nucleotide variant.
Coding change: c.1650C>A on transcript NM_017763.6 (MANE Select); coding-DNA position 1650, C replaced by A.
Protein change: p.Tyr550Ter; replaces tyrosine 550 with a stop codon.
Molecular consequence: nonsense.
Genome position (GRCh38, 1-based): chr17:58,358,126, G>T on the plus strand (C>A on the coding strand, the complement: RNF43 is on the minus strand). VCF-style: chr17-58358126-G-T. GRCh37 (hg19) VCF-style: chr17-56435487-G-T.
Other names: c.1650C>A, p.Tyr550Ter (NM_001305544.3, NM_001438820.1, NM_001438821.1 and 1 more transcripts); c.1269C>A, p.Tyr423Ter (NM_001305545.2, NM_001437987.1); short protein forms Y423*, Y550*.
Identifiers: ClinVar variation 4812951 (VCV004812951.1).

ClinVar aggregate classification (germline): Pathogenic (1 of 4 stars; one submission).

Conditions:
Sessile serrated polyposis cancer syndrome (SSPCS). Identifiers: Orphanet 157798, MedGen C4310714, MONDO:0014919, OMIM 617108.

Submission:

Myriad Genetics, Inc.
Classification: Pathogenic for Sessile serrated polyposis cancer syndrome. Last evaluated: 2025-12-15. Review status: criteria provided, single submitter. Criteria: Myriad Autosomal Dominant, Autosomal Recessive and X-Linked Classification Criteria (2023). Collection method: clinical testing. Allele origin: unknown.
Comment: This variant is considered pathogenic. This variant creates a termination codon and is predicted to result in premature protein truncation.